The following is an entry in ClinVar:

NM_005097.4(LGI1):c.744G>C (p.Glu248Asp)

Gene: LGI1 (leucine rich glioma inactivated 1; plus strand). Cytogenetic location: 10q23.33.
Variant type: single nucleotide variant.
Coding change: c.744G>C on transcript NM_005097.4 (MANE Select); coding-DNA position 744, G replaced by C.
Protein change: p.Glu248Asp; replaces glutamic acid 248 with aspartic acid.
Molecular consequence: missense variant. On other transcripts: non-coding transcript variant (1).
Genome position (GRCh38, 1-based): chr10:93,793,256, G>C. VCF-style: chr10-93793256-G-C. GRCh37 (hg19) VCF-style: chr10-95553013-G-C.
Other names: c.744G>C, p.Glu248Asp (NM_001308275.2); c.600G>C, p.Glu200Asp (NM_001308276.2); short protein forms E200D, E248D.
Identifiers: ClinVar variation 1801926 (VCV001801926.1), dbSNP rs199916185, ClinGen allele CA377624174.

ClinVar aggregate classification (germline): Uncertain significance (1 of 4 stars; one submission).

Submission:

GeneDx
Classification: Uncertain significance. Last evaluated: 2022-05-31. Review status: criteria provided, single submitter. Criteria: GeneDx Variant Classification Process June 2021. Collection method: clinical testing. Allele origin: germline. Affected: yes.
Comment: Not observed at significant frequency in large population cohorts (gnomAD); In silico analysis supports that this missense variant does not alter protein structure/function; Has not been previously published as pathogenic or benign to our knowledge